The following is an entry in ClinVar:

NM_206926.2(SELENON):c.1257G>C (p.Trp419Cys)

Gene: SELENON (selenoprotein N; plus strand). Cytogenetic location: 1p36.11.
Variant type: single nucleotide variant.
Coding change: c.1257G>C on transcript NM_206926.2 (MANE Select); coding-DNA position 1257, G replaced by C.
Protein change: p.Trp419Cys; replaces tryptophan 419 with cysteine.
Molecular consequence: missense variant.
Genome position (GRCh38, 1-based): chr1:25,812,764, G>C. VCF-style: chr1-25812764-G-C. GRCh37 (hg19) VCF-style: chr1-26139255-G-C.
Other names: c.1359G>C, p.Trp453Cys (NM_020451.3); short protein forms W453C, W419C.
Identifiers: ClinVar variation 372502 (VCV000372502.2), dbSNP rs1057517819, ClinGen allele CA16042386.

ClinVar aggregate classification (germline): Likely pathogenic (1 of 4 stars; one submission).

Submission:

GeneDx
Classification: Likely pathogenic. Last evaluated: 2015-04-03. Review status: criteria provided, single submitter. Criteria: GeneDx Variant Classification (06012015). Collection method: clinical testing. Allele origin: germline. Affected: yes.
Comment: The W453C variant in the SEPN1 gene has not been published as a pathogenic variant, nor has it been reported as abenign polymorphism to our knowledge. The W453C variant was not observed in approximately 6,100individuals of European and African American ancestry in the NHLBI Exome Sequencing Project,indicating it is not a common benign variant in these populations. The W453C variant is a non-conservativeamino acid substitution, which occurs at a position that is highly conserved across species. In silico analysispredicts this variant is probably damaging to the protein structure/function. Other missense variants in thesame and nearby residues (W453S and U462G) have been reported in the Human Gene MutationDatabase in association with multiminicore disease (Stenson et al., 2014), supporting the functionalimportance of this region of the protein. The W453C variant is a strong candidate for a pathogenic variant; however, the possibility it may be a rare benign variant cannot be excluded.